The following is an entry in ClinVar:

ClinVar aggregate classification (germline): Uncertain significance (1 of 4 stars; one submission).

Allele frequency attached by ClinVar (database versions not stated): gnomAD 0.00001; gnomAD exomes 0.00001; TOPMed 0.00001.
gnomAD v4.1: 22 of 1,613,866 alleles (0.0014%); highest among the groups gnomAD compares: Non-Finnish European, 0.0019%; no homozygotes.

Submission:

GeneDx
Classification: Uncertain significance. Last evaluated: 2022-03-31. Review status: criteria provided, single submitter. Criteria: GeneDx Variant Classification Process June 2021. Collection method: clinical testing. Allele origin: germline. Affected: yes.
Comment: Has not been previously published as pathogenic or benign to our knowledge; Not observed at significant frequency in large population cohorts (gnomAD); In silico analysis supports that this missense variant does not alter protein structure/function

NM_001080517.3(SETD5):c.4204G>A (p.Ala1402Thr)

Gene: SETD5 (SET domain containing 5; plus strand). Cytogenetic location: 3p25.3.
Variant type: single nucleotide variant.
Coding change: c.4204G>A on transcript NM_001080517.3 (MANE Select); coding-DNA position 4204, G replaced by A.
Protein change: p.Ala1402Thr; replaces alanine 1402 with threonine.
Molecular consequence: missense variant.
Genome position (GRCh38, 1-based): chr3:9,475,966, G>A. VCF-style: chr3-9475966-G-A. GRCh37 (hg19) VCF-style: chr3-9517650-G-A.
Other names: c.3910G>A, p.Ala1304Thr (NM_001292043.2, NM_001349451.2); short protein forms A1304T, A1402T.
Identifiers: ClinVar variation 1707945 (VCV001707945.2), dbSNP rs761930777, ClinGen allele CA69952072.